The following is an entry in ClinVar:

NM_003098.3(SNTA1):c.569C>T (p.Pro190Leu)

Gene: SNTA1 (syntrophin alpha 1; minus strand). Cytogenetic location: 20q11.21.
Variant type: single nucleotide variant.
Coding change: c.569C>T on transcript NM_003098.3 (MANE Select); coding-DNA position 569, C replaced by T.
Protein change: p.Pro190Leu; replaces proline 190 with leucine.
Molecular consequence: missense variant.
Genome position (GRCh38, 1-based): chr20:33,417,851, G>A on the plus strand (C>T on the coding strand, the complement: SNTA1 is on the minus strand). VCF-style: chr20-33417851-G-A. GRCh37 (hg19) VCF-style: chr20-32005657-G-A.
Other names: c.569C>T, p.Pro190Leu (NM_001424413.1, NM_001424414.1); short protein forms P190L.
Identifiers: ClinVar variation 3959298 (VCV003959298.1).

ClinVar aggregate classification (germline): Uncertain significance (1 of 4 stars; one submission).

Conditions:
Cardiovascular phenotype. Identifiers: MedGen CN230736.

Submission:

Ambry Genetics
Classification: Uncertain significance for Cardiovascular phenotype. Last evaluated: 2025-06-07. Review status: criteria provided, single submitter. Criteria: Ambry Variant Classification Scheme 2023. Collection method: clinical testing. Allele origin: germline.
Comment: The p.P190L variant (also known as c.569C>T), located in coding exon 3 of the SNTA1 gene, results from a C to T substitution at nucleotide position 569. The proline at codon 190 is replaced by leucine, an amino acid with similar properties. This amino acid position is conserved. In addition, this alteration is predicted to be tolerated by in silico analysis. Based on the available evidence, the clinical significance of this variant remains unclear.